The following is an entry in ClinVar:

ClinVar aggregate classification (germline): Uncertain significance (1 of 4 stars; one submission).

Submission:

Labcorp Genetics (formerly Invitae), Labcorp
Classification: Uncertain significance. Last evaluated: 2025-10-08. Review status: criteria provided, single submitter. Criteria: Invitae Variant Classification Sherloc (09022015). Collection method: clinical testing. Allele origin: germline.
Comment: This sequence change replaces aspartic acid, which is acidic and polar, with tyrosine, which is neutral and polar, at codon 684 of the CDH2 protein (p.Asp684Tyr). This variant is not present in population databases (gnomAD no frequency). This variant has not been reported in the literature in individuals affected with CDH2-related conditions. An algorithm developed to predict the effect of missense changes on protein structure and function (PolyPhen-2) suggests that this variant is likely to be disruptive. In summary, the available evidence is currently insufficient to determine the role of this variant in disease. Therefore, it has been classified as a Variant of Uncertain Significance.

NM_001792.5(CDH2):c.2050G>T (p.Asp684Tyr)

Gene: CDH2 (cadherin 2; minus strand). Cytogenetic location: 18q12.1.
Variant type: single nucleotide variant.
Coding change: c.2050G>T on transcript NM_001792.5 (MANE Select); coding-DNA position 2050, G replaced by T.
Protein change: p.Asp684Tyr; replaces aspartic acid 684 with tyrosine.
Molecular consequence: missense variant.
Genome position (GRCh38, 1-based): chr18:27,985,159, C>A on the plus strand (G>T on the coding strand, the complement: CDH2 is on the minus strand). VCF-style: chr18-27985159-C-A. GRCh37 (hg19) VCF-style: chr18-25565123-C-A.
Other names: c.1957G>T, p.Asp653Tyr (NM_001308176.2); short protein forms D653Y, D684Y.
Identifiers: ClinVar variation 4710553 (VCV004710553.1).